The following is an entry in ClinVar:

NM_005732.4(RAD50):c.2899del (p.Asp967fs)

Gene: RAD50 (RAD50 double strand break repair protein; plus strand). Cytogenetic location: 5q31.1.
Variant type: Deletion.
Coding change: c.2899del on transcript NM_005732.4 (MANE Select); coding-DNA position 2899, one base deleted (G; older notation c.2899delG).
Protein change: p.Asp967fs; shifts the reading frame from aspartic acid 967.
Molecular consequence: frameshift variant.
Genome position (GRCh38, 1-based): chr5:132,609,186, G deleted. VCF-style (leftmost placement, unchanged base first): chr5-132609185-AG-A. GRCh37 (hg19) VCF-style: chr5-131944877-AG-A.
Other names: c.2899del (NM_005732.3); short protein forms D967fs.
Identifiers: ClinVar variation 484710 (VCV000484710.13), dbSNP rs1554099372, ClinGen allele CA658657529.

ClinVar aggregate classification (germline): Pathogenic. Review status: criteria provided, multiple submitters, no conflicts (2 of 4 stars). 2 submissions from 2 submitters: Pathogenic (2). Last evaluated 2025-03-02.

Conditions:
Hereditary cancer-predisposing syndrome. Also called: Neoplastic Syndromes, Hereditary; Tumor predisposition; Hereditary Cancer Syndrome; Hereditary neoplastic syndrome. Identifiers: Orphanet 140162, MedGen C0027672, MeSH D009386, MONDO:0015356.

Submissions (2):

Labcorp Genetics (formerly Invitae), Labcorp
Classification: Pathogenic for Hereditary cancer-predisposing syndrome. Last evaluated: 2025-03-02. Review status: criteria provided, single submitter. Criteria: Invitae Variant Classification Sherloc (09022015). Collection method: clinical testing. Allele origin: germline.
Comment: This sequence change creates a premature translational stop signal (p.Asp967Metfs*17) in the RAD50 gene. It is expected to result in an absent or disrupted protein product. Loss-of-function variants in RAD50 are known to be pathogenic (PMID: 19409520). This variant is not present in population databases (gnomAD no frequency). This variant has not been reported in the literature in individuals affected with RAD50-related conditions. ClinVar contains an entry for this variant (Variation ID: 484710). For these reasons, this variant has been classified as Pathogenic.

Ambry Genetics
Classification: Pathogenic for Hereditary cancer-predisposing syndrome. Last evaluated: 2017-05-18. Review status: criteria provided, single submitter. Criteria: Ambry Variant Classification Scheme 2023. Collection method: clinical testing. Allele origin: germline.
Comment: The c.2899delG pathogenic mutation, located in coding exon 18 of the RAD50 gene, results from a deletion of one nucleotide at nucleotide position 2899, causing a translational frameshift with a predicted alternate stop codon (p.D967Mfs*17). This alteration is expected to result in loss of function by premature protein truncation or nonsense-mediated mRNA decay. As such, this alteration is interpreted as a disease-causing mutation.

Literature cited by the submitters: PubMed 19409520 (cited by Labcorp Genetics (formerly Invitae), Labcorp).